The following is an entry in ClinVar:

NM_177550.5(SLC13A5):c.691G>A (p.Val231Met)

Gene: SLC13A5 (solute carrier family 13 member 5; minus strand). Cytogenetic location: 17p13.1.
Variant type: single nucleotide variant.
Coding change: c.691G>A on transcript NM_177550.5 (MANE Select); coding-DNA position 691, G replaced by A.
Protein change: p.Val231Met; replaces valine 231 with methionine.
Molecular consequence: missense variant.
Genome position (GRCh38, 1-based): chr17:6,702,995, C>T on the plus strand (G>A on the coding strand, the complement: SLC13A5 is on the minus strand). VCF-style: chr17-6702995-C-T. GRCh37 (hg19) VCF-style: chr17-6606314-C-T.
Other names: c.691G>A, p.Val231Met (NM_001143838.3); c.640G>A, p.Val214Met (NM_001284509.2); c.562G>A, p.Val188Met (NM_001284510.2); c.691G>A (NM_177550.3); short protein forms V188M, V214M, V231M.
Identifiers: ClinVar variation 1008012 (VCV001008012.8), dbSNP rs759705331, ClinGen allele CA8331646.
Genomic context (GRCh38, chr17:6,702,995, plus strand): 5'-TTCGTTGTCCCCAGAAGGTGCGACCAAGGACTCACTCGTTCATCTGGCCCAGGAGCACCA[C>T]GTTGGGTCCCGTCCCGGTCAGGGTGGCGGTGCCCCCGATGCTGGCCGCGTAGCAGATGCA-3'
Protein context (NP_808218.1, residues 221-241): TATLTGTGPN[Val231Met]VLLGQMNELF

ClinVar aggregate classification (germline): Uncertain significance. Review status: criteria provided, multiple submitters, no conflicts (2 of 4 stars). 2 submissions from 2 submitters: Uncertain significance (2). Last evaluated 2025-04-21.

Conditions:
Inborn genetic diseases. Identifiers: MedGen C0950123, MeSH D030342.
Developmental and epileptic encephalopathy, 25 (DEE25). Also called: Epileptic encephalopathy, early infantile, 25; Developmental and epileptic encephalopathy 25, with amelogenesis imperfecta; Epileptic encephalopathy, early infantile, 25, with amelogenesis imperfecta. Identifiers: Orphanet 442835, MedGen C4014621, MONDO:0014392, OMIM 615905.

Allele frequency attached by ClinVar (database versions not stated): gnomAD 0.00001; TOPMed 0.00001.
gnomAD v4.1: 14 of 1,614,078 alleles (0.00087%); highest among the groups gnomAD compares: East Asian, 0.0022%; no homozygotes.

Submissions (2):

Ambry Genetics
Classification: Uncertain significance for Inborn genetic diseases. Last evaluated: 2025-04-21. Review status: criteria provided, single submitter. Criteria: Ambry Variant Classification Scheme 2023. Collection method: clinical testing. Allele origin: germline.

Labcorp Genetics (formerly Invitae), Labcorp
Classification: Uncertain significance for Developmental and epileptic encephalopathy, 25. Last evaluated: 2023-08-04. Review status: criteria provided, single submitter. Criteria: Invitae Variant Classification Sherloc (09022015). Collection method: clinical testing. Allele origin: germline.
Comment: This sequence change replaces valine, which is neutral and non-polar, with methionine, which is neutral and non-polar, at codon 231 of the SLC13A5 protein (p.Val231Met). This variant is present in population databases (rs759705331, gnomAD 0.004%). This variant has not been reported in the literature in individuals affected with SLC13A5-related conditions. ClinVar contains an entry for this variant (Variation ID: 1008012). Advanced modeling of protein sequence and biophysical properties (such as structural, functional, and spatial information, amino acid conservation, physicochemical variation, residue mobility, and thermodynamic stability) performed at Invitae indicates that this missense variant is not expected to disrupt SLC13A5 protein function. In summary, the available evidence is currently insufficient to determine the role of this variant in disease. Therefore, it has been classified as a Variant of Uncertain Significance.